The following is an entry in ClinVar:

ClinVar aggregate classification (germline): Uncertain significance (1 of 4 stars; one submission).

Conditions:
Pityriasis rubra pilaris (PRP). Also called: Pityriasis rubra pilaris--familial type. Identifiers: Orphanet 2897, MedGen C0032027, MONDO:0100017, OMIM 173200, MONDO:0008251.
Psoriasis 2. Identifiers: MedGen C1864497, MONDO:0011269, OMIM 602723.

Allele frequency attached by ClinVar (database versions not stated): ExAC 0.00001; TOPMed 0.00001; gnomAD 0.00002.
gnomAD v4.1: 40 of 1,602,906 alleles (0.0025%); highest among the groups gnomAD compares: Non-Finnish European, 0.0031%; no homozygotes.

Submission:

Labcorp Genetics (formerly Invitae), Labcorp
Classification: Uncertain significance for Pityriasis rubra pilaris; Psoriasis 2. Last evaluated: 2022-02-05. Review status: criteria provided, single submitter. Criteria: Invitae Variant Classification Sherloc (09022015). Collection method: clinical testing. Allele origin: germline.
Comment: In summary, the available evidence is currently insufficient to determine the role of this variant in disease. Therefore, it has been classified as a Variant of Uncertain Significance. ClinVar contains an entry for this variant (Variation ID: 849418). This variant has not been reported in the literature in individuals affected with CARD14-related conditions. This variant is present in population databases (rs758865360, gnomAD 0.0008%). This sequence change creates a premature translational stop signal (p.Trp998*) in the CARD14 gene. While this is not anticipated to result in nonsense mediated decay, it is expected to disrupt the last 7 amino acid(s) of the CARD14 protein.

NM_001366385.1(CARD14):c.2994G>A (p.Trp998Ter)

Genes: CARD14 (caspase recruitment domain family member 14; plus strand), SGSH (N-sulfoglucosamine sulfohydrolase; minus strand). Cytogenetic location: 17q25.3.
Variant type: single nucleotide variant.
Coding change: c.2994G>A on transcript NM_001366385.1 (MANE Select); coding-DNA position 2994, G replaced by A.
Protein change: p.Trp998Ter; replaces tryptophan 998 with a stop codon.
Molecular consequence: nonsense. On other transcripts: non-coding transcript variant (1).
Genome position (GRCh38, 1-based): chr17:80,208,324, G>A. VCF-style: chr17-80208324-G-A. GRCh37 (hg19) VCF-style: chr17-78182123-G-A.
Other names: c.2994G>A, p.Trp998Ter (NM_024110.4); short protein forms W998*.
Identifiers: ClinVar variation 849418 (VCV000849418.8), dbSNP rs758865360, ClinGen allele CA8817531.
Genomic context (GRCh38, chr17:80,208,324, plus strand): 5'-GGACGGCCTGCTCAGCTGTGTCCGCCAGGCCATCGCCGACGAGCAGAAGAAGGTGGTGTG[G>A]ACGGAGCAGAGCCCCCGATGATGCACCGTGCCCCTTCCCGGGACTGTGGGGGCTTCTGTG-3'